The following is an entry in ClinVar:

NM_001378615.1(CC2D2A):c.4374G>C (p.Arg1458Ser)

Genes: CC2D2A (coiled-coil and C2 domain containing 2A; plus strand), FBXL5 (F-box and leucine rich repeat protein 5; minus strand). Cytogenetic location: 4p15.32.
Variant type: single nucleotide variant.
Coding change: c.4374G>C on transcript NM_001378615.1 (MANE Select); coding-DNA position 4374, G replaced by C.
Protein change: p.Arg1458Ser; replaces arginine 1458 with serine.
Molecular consequence: missense variant.
Genome position (GRCh38, 1-based): chr4:15,596,144, G>C. VCF-style: chr4-15596144-G-C. GRCh37 (hg19) VCF-style: chr4-15597767-G-C.
Other names: c.4374G>C, p.Arg1458Ser (NM_001080522.2); c.4227G>C, p.Arg1409Ser (NM_001378617.1); short protein forms R1458S, R1409S.
Identifiers: ClinVar variation 2135930 (VCV002135930.4), dbSNP rs945686996, ClinGen allele CA356431559.

ClinVar aggregate classification (germline): Uncertain significance (1 of 4 stars; one submission).

Conditions:
Joubert syndrome. Also called: JOUBERT-BOLTSHAUSER SYNDROME; Familial aplasia of the vermis. Identifiers: Orphanet 475, MedGen C5979921, MONDO:0018772.
Meckel-Gruber syndrome. Also called: DYSENCEPHALIA SPLANCHNOCYSTICA; GRUBER SYNDROME; Dysencephalia splachnocystica. Identifiers: Orphanet 564, MedGen C0265215, MONDO:0018921.

Submission:

Labcorp Genetics (formerly Invitae), Labcorp
Classification: Uncertain significance for Joubert syndrome; Meckel-Gruber syndrome. Last evaluated: 2024-11-18. Review status: criteria provided, single submitter. Criteria: Invitae Variant Classification Sherloc (09022015). Collection method: clinical testing. Allele origin: germline.
Comment: This sequence change replaces arginine, which is basic and polar, with serine, which is neutral and polar, at codon 1458 of the CC2D2A protein (p.Arg1458Ser). This variant is not present in population databases (gnomAD no frequency). This variant has not been reported in the literature in individuals affected with CC2D2A-related conditions. ClinVar contains an entry for this variant (Variation ID: 2135930). Invitae Evidence Modeling of protein sequence and biophysical properties (such as structural, functional, and spatial information, amino acid conservation, physicochemical variation, residue mobility, and thermodynamic stability) indicates that this missense variant is not expected to disrupt CC2D2A protein function with a negative predictive value of 95%. In summary, the available evidence is currently insufficient to determine the role of this variant in disease. Therefore, it has been classified as a Variant of Uncertain Significance.